The following is an entry in ClinVar:

NM_001127178.3(PIGG):c.2397T>G (p.Ser799Arg)

Gene: PIGG (phosphatidylinositol glycan anchor biosynthesis class G (EMM blood group); plus strand). Cytogenetic location: 4p16.3.
Variant type: single nucleotide variant.
Coding change: c.2397T>G on transcript NM_001127178.3 (MANE Select); coding-DNA position 2397, T replaced by G.
Protein change: p.Ser799Arg; replaces serine 799 with arginine.
Molecular consequence: missense variant. On other transcripts: non-coding transcript variant (6).
Genome position (GRCh38, 1-based): chr4:530,571, T>G. VCF-style: chr4-530571-T-G. GRCh37 (hg19) VCF-style: chr4-524360-T-G.
Other names: c.1998T>G, p.Ser666Arg (NM_001289052.2); c.2130T>G, p.Ser710Arg (NM_001345986.2, NM_001289051.2); c.2106T>G, p.Ser702Arg (NM_001345987.2); c.1368T>G, p.Ser456Arg (NM_001345988.2); c.864T>G, p.Ser288Arg (NM_001345990.2, NM_001345991.2); c.1299T>G, p.Ser433Arg (NM_001345994.2); c.2373T>G, p.Ser791Arg (NM_017733.5); short protein forms S456R, S666R, S702R, S288R, S433R, S710R, S799R, S791R.
Identifiers: ClinVar variation 2113336 (VCV002113336.4), dbSNP rs1304998912, ClinGen allele CA355910075.
Genomic context (GRCh38, chr4:530,571, plus strand): 5'-ATCTCAAGTCATTGCTGCAGACTTCAAACTCAAGACTGTAGGTTTATGGGAGATATATAG[T>G]GGATTAGTTCTTCTGGCAGCCTTGCTCTTTAGACCACATAATCTTCCGGTCTTAGCATTT-3'
Protein context (NP_001120650.1, residues 789-809): LKTVGLWEIY[Ser799Arg]GLVLLAALLF

ClinVar aggregate classification (germline): Uncertain significance (1 of 4 stars; one submission).

Conditions:
Intellectual disability, autosomal recessive 53 (NEDHSCA). Also called: GLYCOSYLPHOSPHATIDYLINOSITOL BIOSYNTHESIS DEFECT 13; Mental retardation, autosomal recessive 53; NEURODEVELOPMENTAL DISORDER WITH OR WITHOUT HYPOTONIA, SEIZURES, AND CEREBELLAR ATROPHY. Identifiers: Orphanet 488635, MedGen C4310794, MONDO:0014832, OMIM 616917.

Submission:

Labcorp Genetics (formerly Invitae), Labcorp
Classification: Uncertain significance for Intellectual disability, autosomal recessive 53. Last evaluated: 2022-03-17. Review status: criteria provided, single submitter. Criteria: Invitae Variant Classification Sherloc (09022015). Collection method: clinical testing. Allele origin: germline.
Comment: This sequence change replaces serine, which is neutral and polar, with arginine, which is basic and polar, at codon 799 of the PIGG protein (p.Ser799Arg). This variant is not present in population databases (gnomAD no frequency). This variant has not been reported in the literature in individuals affected with PIGG-related conditions. Algorithms developed to predict the effect of missense changes on protein structure and function are either unavailable or do not agree on the potential impact of this missense change (SIFT: "Deleterious"; PolyPhen-2: "Benign"; Align-GVGD: "Class C0"). In summary, the available evidence is currently insufficient to determine the role of this variant in disease. Therefore, it has been classified as a Variant of Uncertain Significance.